The following is an entry in ClinVar:

ClinVar aggregate classification (germline): Benign. Review status: criteria provided, multiple submitters, no conflicts (2 of 4 stars). 2 submissions from 2 submitters: Benign (2). Last evaluated 2026-04-16.

Conditions:
TENM4-related disorder. Also called: TENM4-related condition.

Submissions (2):

PreventionGenetics, part of Exact Sciences
Classification: Benign for TENM4-related condition. Last evaluated: 2026-04-16. Review status: criteria provided, single submitter. Criteria: ACMG Guidelines, 2015. Collection method: clinical testing. Allele origin: germline.
Comment: This variant is classified as benign based on ACMG/AMP sequence variant interpretation guidelines (Richards et al. 2015 PMID: 25741868, with internal and published modifications).

CeGaT Center for Human Genetics Tuebingen
Classification: Benign. Last evaluated: 2026-01-01. Review status: criteria provided, single submitter. Criteria: CeGaT Center For Human Genetics Tuebingen Variant Classification Criteria Version 2. Collection method: clinical testing. Allele origin: germline. Affected: yes. Observed: 1 variant allele.
Comment: TENM4: BS1, BS2

NM_001098816.3(TENM4):c.1639G>A (p.Gly547Arg)

Gene: TENM4 (teneurin transmembrane protein 4; minus strand). Cytogenetic location: 11q14.1.
Variant type: single nucleotide variant.
Coding change: c.1639G>A on transcript NM_001098816.3 (MANE Select); coding-DNA position 1639, G replaced by A.
Protein change: p.Gly547Arg; replaces glycine 547 with arginine.
Molecular consequence: missense variant.
Genome position (GRCh38, 1-based): chr11:78,854,146, C>T on the plus strand (G>A on the coding strand, the complement: TENM4 is on the minus strand). VCF-style: chr11-78854146-C-T. GRCh37 (hg19) VCF-style: chr11-78565191-C-T.
Other names: c.1639G>A (NM_001098816.2); short protein forms G547R.
Identifiers: ClinVar variation 4821358 (VCV004821358.5).